The following is an entry in ClinVar:

NM_001374736.1(DST):c.20147C>T (p.Thr6716Met)

Gene: DST (dystonin; minus strand). Cytogenetic location: 6p12.1.
Variant type: single nucleotide variant.
Coding change: c.20147C>T on transcript NM_001374736.1 (MANE Select); coding-DNA position 20147, C replaced by T.
Protein change: p.Thr6716Met; replaces threonine 6716 with methionine.
Molecular consequence: missense variant.
Genome position (GRCh38, 1-based): chr6:56,497,455, G>A on the plus strand (C>T on the coding strand, the complement: DST is on the minus strand). VCF-style: chr6-56497455-G-A. GRCh37 (hg19) VCF-style: chr6-56362253-G-A.
Other names: c.13790C>T, p.Thr4597Met (NM_001144769.5); c.13376C>T, p.Thr4459Met (NM_001144770.2); c.20147C>T, p.Thr6716Met (NM_001374722.1); c.19187C>T, p.Thr6396Met (NM_001374729.1); c.12929C>T, p.Thr4310Met (NM_001374730.1); c.20174C>T, p.Thr6725Met (NM_001374734.1); c.13256C>T, p.Thr4419Met (NM_001386100.1, NM_183380.4); c.12278C>T, p.Thr4093Met (NM_015548.5); short protein forms T4093M, T4310M, T4459M, T4597M, T6396M, T6716M, T4419M, T6725M.
Identifiers: ClinVar variation 1434473 (VCV001434473.6), dbSNP rs373240529, ClinGen allele CA3866827.
Genomic context (GRCh38, chr6:56,497,455, plus strand): 5'-TGCTCCTTGGCTGTTTCCGGTAAACCTCCCAGCGGTTTAGATGCCAACAGATGACGCTCC[G>A]TGTCAGTCAGCCACTGCTGCAAATCCTCAATTTCGCCATGGAACCCTTTGGCCTGAAGTA-3'
Protein context (NP_001361665.1, residues 6706-6726): IEDLQQWLTD[Thr6716Met]ERHLLASKPL

ClinVar aggregate classification (germline): Uncertain significance (1 of 4 stars; one submission).

Conditions:
Hereditary sensory and autonomic neuropathy type 6. Also called: HSAN VI; Neuropathy, hereditary sensory and autonomic, type VI. Identifiers: Orphanet 314381, MedGen C3539003, MONDO:0013839, OMIM 614653.
Epidermolysis bullosa simplex 3, localized or generalized intermediate, with BP230 deficiency (EBS3). Also called: Epidermolysis bullosa simplex, autosomal recessive 2; Epidermolysis bullosa simplex due to BP230 deficiency. Identifiers: Orphanet 412181, MedGen C3809470, MONDO:0014180, OMIM 615425.

Allele frequency attached by ClinVar (database versions not stated): gnomAD 0.00001; TOPMed 0.00003; ESP Exome Variant Server 0.00008.
gnomAD v4.1: 49 of 1,613,122 alleles (0.003%); highest among the groups gnomAD compares: South Asian, 0.046%; 1 homozygote.

Submission:

Labcorp Genetics (formerly Invitae), Labcorp
Classification: Uncertain significance for Epidermolysis bullosa simplex 3, localized or generalized intermediate, with BP230 deficiency; Hereditary sensory and autonomic neuropathy type 6. Last evaluated: 2022-03-14. Review status: criteria provided, single submitter. Criteria: Invitae Variant Classification Sherloc (09022015). Collection method: clinical testing. Allele origin: germline.
Comment: This variant has not been reported in the literature in individuals affected with DST-related conditions. This variant is present in population databases (rs373240529, gnomAD 0.04%). This sequence change replaces threonine, which is neutral and polar, with methionine, which is neutral and non-polar, at codon 4093 of the DST protein (p.Thr4093Met). The DST gene has multiple clinically relevant transcripts. This variant occurs in alternate transcript NM_015548.4, and corresponds to NM_001723.5:c.*118062C>T in the primary transcript. In summary, the available evidence is currently insufficient to determine the role of this variant in disease. Therefore, it has been classified as a Variant of Uncertain Significance. Experimental studies and prediction algorithms are not available or were not evaluated, and the functional significance of this variant is currently unknown.